The following is an entry in ClinVar:

NM_014846.4(WASHC5):c.625G>A (p.Glu209Lys)

Gene: WASHC5 (WASH complex subunit 5; minus strand). Cytogenetic location: 8q24.13.
Variant type: single nucleotide variant.
Coding change: c.625G>A on transcript NM_014846.4 (MANE Select); coding-DNA position 625, G replaced by A.
Protein change: p.Glu209Lys; replaces glutamic acid 209 with lysine.
Molecular consequence: missense variant.
Genome position (GRCh38, 1-based): chr8:125,078,824, C>T on the plus strand (G>A on the coding strand, the complement: WASHC5 is on the minus strand). VCF-style: chr8-125078824-C-T. GRCh37 (hg19) VCF-style: chr8-126091066-C-T.
Other names: c.181G>A, p.Glu61Lys (NM_001330609.2); short protein forms E61K, E209K.
Identifiers: ClinVar variation 951266 (VCV000951266.12), dbSNP rs565980279, ClinGen allele CA4874065.

ClinVar aggregate classification (germline): Uncertain significance. Review status: criteria provided, multiple submitters, no conflicts (2 of 4 stars). 3 submissions from 3 submitters: Uncertain significance (3). Last evaluated 2025-12-13.

Conditions:
Ritscher-Schinzel syndrome 1 (RTSC1). Identifiers: Orphanet 7, MedGen C4551776, MONDO:0009073, OMIM 220210.
Hereditary spastic paraplegia 8 (SPG8). Also called: SPASTIC PARAPLEGIA 8, AUTOSOMAL DOMINANT. Identifiers: Orphanet 100989, MedGen C1863704, MONDO:0011339, OMIM 603563.
Ritscher-Schinzel syndrome. Also called: CRANIOCEREBELLOCARDIAC DYSPLASIA. Identifiers: Orphanet 7, MedGen C0796137, MONDO:0019078.
Inborn genetic diseases. Identifiers: MedGen C0950123, MeSH D030342.

Allele frequency attached by ClinVar (database versions not stated): TOPMed 0.00002; gnomAD exomes 0.00001 and 0.00004; gnomAD 0.00002; 1000 Genomes Project 0.00020; 1000 Genomes Project 30x 0.00031; ExAC 0.00002.
gnomAD v4.1: 24 of 1,613,916 alleles (0.0015%); highest among the groups gnomAD compares: Admixed American, 0.018%; no homozygotes.

Submissions (3):

Labcorp Genetics (formerly Invitae), Labcorp
Classification: Uncertain significance for Ritscher-Schinzel syndrome; Hereditary spastic paraplegia 8. Last evaluated: 2025-12-13. Review status: criteria provided, single submitter. Criteria: Invitae Variant Classification Sherloc (09022015). Collection method: clinical testing. Allele origin: germline.
Comment: This sequence change replaces glutamic acid, which is acidic and polar, with lysine, which is basic and polar, at codon 209 of the WASHC5 protein (p.Glu209Lys). This variant is present in population databases (rs565980279, gnomAD 0.02%). This variant has not been reported in the literature in individuals affected with WASHC5-related conditions. ClinVar contains an entry for this variant (Variation ID: 951266). Invitae Evidence Modeling of protein sequence and biophysical properties (such as structural, functional, and spatial information, amino acid conservation, physicochemical variation, residue mobility, and thermodynamic stability) indicates that this missense variant is expected to disrupt WASHC5 protein function with a positive predictive value of 80%. In summary, the available evidence is currently insufficient to determine the role of this variant in disease. Therefore, it has been classified as a Variant of Uncertain Significance.

Ambry Genetics
Classification: Uncertain significance for Inborn genetic diseases. Last evaluated: 2021-10-26. Review status: criteria provided, single submitter. Criteria: Ambry Variant Classification Scheme 2023. Collection method: clinical testing. Allele origin: germline.

Fulgent Genetics
Classification: Uncertain significance for Ritscher-Schinzel syndrome 1; Hereditary spastic paraplegia 8. Last evaluated: 2021-07-30. Review status: criteria provided, single submitter. Criteria: ACMG Guidelines, 2015. Collection method: clinical testing. Allele origin: unknown.